The following is an entry in ClinVar:

NM_001903.5(CTNNA1):c.648G>T (p.Lys216Asn)

Gene: CTNNA1 (catenin alpha 1; plus strand). Cytogenetic location: 5q31.2.
Variant type: single nucleotide variant.
Coding change: c.648G>T on transcript NM_001903.5 (MANE Select); coding-DNA position 648, G replaced by T.
Protein change: p.Lys216Asn; replaces lysine 216 with asparagine.
Molecular consequence: missense variant.
Genome position (GRCh38, 1-based): chr5:138,824,589, G>T. VCF-style: chr5-138824589-G-T. GRCh37 (hg19) VCF-style: chr5-138160278-G-T.
Other names: c.648G>T (NM_001903.2); c.648G>T, p.Lys216Asn (NM_001290307.3, NM_001323982.2, NM_001323983.1 and 3 more transcripts); c.339G>T, p.Lys113Asn (NM_001290309.3); c.279G>T, p.Lys93Asn (NM_001290310.3); short protein forms K216N, K113N, K93N.
Identifiers: ClinVar variation 1999528 (VCV001999528.7), dbSNP rs1581167431, ClinGen allele CA361129578.

ClinVar aggregate classification (germline): Uncertain significance. Review status: criteria provided, multiple submitters, no conflicts (2 of 4 stars). 2 submissions from 2 submitters: Uncertain significance (2). Last evaluated 2025-11-09.

Conditions:
Hereditary cancer-predisposing syndrome. Also called: Neoplastic Syndromes, Hereditary; Hereditary neoplastic syndrome; Tumor predisposition; Hereditary Cancer Syndrome. Identifiers: Orphanet 140162, MedGen C0027672, MeSH D009386, MONDO:0015356.

Submissions (2):

Labcorp Genetics (formerly Invitae), Labcorp
Classification: Uncertain significance. Last evaluated: 2025-11-09. Review status: criteria provided, single submitter. Criteria: Invitae Variant Classification Sherloc (09022015). Collection method: clinical testing. Allele origin: germline.
Comment: This sequence change replaces lysine, which is basic and polar, with asparagine, which is neutral and polar, at codon 216 of the CTNNA1 protein (p.Lys216Asn). This variant is not present in population databases (gnomAD no frequency). This variant has not been reported in the literature in individuals affected with CTNNA1-related conditions. ClinVar contains an entry for this variant (Variation ID: 1999528). Invitae Evidence Modeling of protein sequence and biophysical properties (such as structural, functional, and spatial information, amino acid conservation, physicochemical variation, residue mobility, and thermodynamic stability) indicates that this missense variant is not expected to disrupt CTNNA1 protein function with a negative predictive value of 80%. In summary, the available evidence is currently insufficient to determine the role of this variant in disease. Therefore, it has been classified as a Variant of Uncertain Significance.

Ambry Genetics
Classification: Uncertain significance for Hereditary cancer-predisposing syndrome. Last evaluated: 2025-07-28. Review status: criteria provided, single submitter. Criteria: Ambry Variant Classification Scheme 2023. Collection method: clinical testing. Allele origin: germline.
Comment: The p.K216N variant (also known as c.648G>T), located in coding exon 5 of the CTNNA1 gene, results from a G to T substitution at nucleotide position 648. The lysine at codon 216 is replaced by asparagine, an amino acid with similar properties. This amino acid position is conserved. In addition, this alteration is predicted to be tolerated by in silico analysis. Since supporting evidence is limited at this time, the clinical significance of this alteration remains unclear.